The following is an entry in ClinVar:

NM_001164508.2(NEB):c.6986C>T (p.Pro2329Leu)

Gene: NEB (nebulin; minus strand). Cytogenetic location: 2q23.3.
Variant type: single nucleotide variant.
Coding change: c.6986C>T on transcript NM_001164508.2 (MANE Select); coding-DNA position 6986, C replaced by T.
Protein change: p.Pro2329Leu; replaces proline 2329 with leucine.
Molecular consequence: missense variant.
Genome position (GRCh38, 1-based): chr2:151,650,815, G>A on the plus strand (C>T on the coding strand, the complement: NEB is on the minus strand). VCF-style: chr2-151650815-G-A. GRCh37 (hg19) VCF-style: chr2-152507329-G-A.
Other names: c.6986C>T, p.Pro2329Leu (NM_001164507.2, NM_001271208.2, NM_004543.5); short protein forms P2329L.
Identifiers: ClinVar variation 1413223 (VCV001413223.3), dbSNP rs201154794, ClinGen allele CA1909944.
Genomic context (GRCh38, chr2:151,650,815, plus strand): 5'-TCCTTCTTGTATTCTCTTTCACTCTGCATTTTGGCTACATTCATGGACAACACAAGTTTT[G>A]GGTCATCTTGCAGACTCCGGAATCCAACATGGTGGCCAAGTTGCTTTCGGTAGCCTTGTT-3'
Protein context (NP_001157980.2, residues 2319-2339): HVGFRSLQDD[Pro2329Leu]KLVLSMNVAK

ClinVar aggregate classification (germline): Uncertain significance (1 of 4 stars; one submission).

Conditions:
Nemaline myopathy 2 (NEM2). Also called: Nemaline myopathy 2, autosomal recessive. Identifiers: MedGen C1850569, MONDO:0009725, OMIM 256030.

Allele frequency attached by ClinVar (database versions not stated): ExAC 0.00001; gnomAD 0.00001; gnomAD exomes 0.00001; TOPMed 0.00001; ESP Exome Variant Server 0.00008.

Submission:

Labcorp Genetics (formerly Invitae), Labcorp
Classification: Uncertain significance for Nemaline myopathy 2. Last evaluated: 2021-10-28. Review status: criteria provided, single submitter. Criteria: Invitae Variant Classification Sherloc (09022015). Collection method: clinical testing. Allele origin: germline.
Comment: This sequence change replaces proline, which is neutral and non-polar, with leucine, which is neutral and non-polar, at codon 2329 of the NEB protein (p.Pro2329Leu). This variant is present in population databases (rs201154794, gnomAD 0.003%). This variant has not been reported in the literature in individuals affected with NEB-related conditions. Algorithms developed to predict the effect of missense changes on protein structure and function are either unavailable or do not agree on the potential impact of this missense change (SIFT: "Deleterious"; PolyPhen-2: "Not Available"; Align-GVGD: "Class C0"). In summary, the available evidence is currently insufficient to determine the role of this variant in disease. Therefore, it has been classified as a Variant of Uncertain Significance.